The following is an entry in ClinVar:

NM_006662.3(SRCAP):c.3897A>G (p.Pro1299=)

Gene: SRCAP (Snf2 related CREBBP activator protein; plus strand). Cytogenetic location: 16p11.2.
Variant type: single nucleotide variant.
Coding change: c.3897A>G on transcript NM_006662.3 (MANE Select); coding-DNA position 3897, A replaced by G.
Protein change: p.Pro1299=; no amino-acid change (proline 1299 retained).
Molecular consequence: synonymous variant.
Genome position (GRCh38, 1-based): chr16:30,722,967, A>G. VCF-style: chr16-30722967-A-G. GRCh37 (hg19) VCF-style: chr16-30734288-A-G.
Identifiers: ClinVar variation 3057427 (VCV003057427.4), dbSNP rs753083192, ClinGen allele CA8011621.

ClinVar aggregate classification (germline): Likely benign. Review status: criteria provided, multiple submitters, no conflicts (2 of 4 stars). 3 submissions from 3 submitters: Likely benign (2). 1 of the submissions does not count toward it. Last evaluated 2025-04-28.

Conditions:
SRCAP-related disorder. Also called: SRCAP-related condition.

Allele frequency attached by ClinVar (database versions not stated): gnomAD exomes below 0.00001; ExAC 0.00001; gnomAD 0.00001.
gnomAD v4.1: 4 of 1,605,046 alleles (0.00025%); highest among the groups gnomAD compares: Admixed American, 0.0017%; no homozygotes.

Submissions (3):

Labcorp Genetics (formerly Invitae), Labcorp
Classification: Likely benign. Last evaluated: 2025-04-28. Review status: criteria provided, single submitter. Criteria: Invitae Variant Classification Sherloc (09022015). Collection method: clinical testing. Allele origin: germline.

Blueprint Genetics
Classification: Likely benign. Last evaluated: 2019-10-15. Review status: criteria provided, single submitter. Criteria: ACMG Guidelines, 2015. Collection method: clinical testing. Allele origin: germline.

PreventionGenetics, part of Exact Sciences
Classification: Likely benign for SRCAP-related condition. Last evaluated: 2019-02-18. Review status: no assertion criteria provided. Collection method: clinical testing. Allele origin: germline. Not counted in ClinVar's aggregate classification.
Comment: This variant is classified as likely benign based on ACMG/AMP sequence variant interpretation guidelines (Richards et al. 2015 PMID: 25741868, with internal and published modifications).